The following is an entry in ClinVar:

NM_000465.4(BARD1):c.166A>G (p.Ile56Val)

Gene: BARD1 (BRCA1 associated RING domain 1; minus strand). Cytogenetic location: 2q35.
Variant type: single nucleotide variant.
Coding change: c.166A>G on transcript NM_000465.4 (MANE Select); coding-DNA position 166, A replaced by G.
Protein change: p.Ile56Val; replaces isoleucine 56 with valine.
Molecular consequence: missense variant. On other transcripts: non-coding transcript variant (2), intron variant (2).
Genome position (GRCh38, 1-based): chr2:214,797,110, T>C on the plus strand (A>G on the coding strand, the complement: BARD1 is on the minus strand). VCF-style: chr2-214797110-T-C. GRCh37 (hg19) VCF-style: chr2-215661834-T-C.
Other names: c.166A>G, p.Ile56Val (NM_001282545.2, NM_001282549.2); c.158+12302A>G (NM_001282548.2); c.159-4665A>G (NM_001282543.2); short protein forms I56V.
Identifiers: ClinVar variation 406781 (VCV000406781.16), dbSNP rs1060501302, ClinGen allele CA16610714.

ClinVar aggregate classification (germline): Uncertain significance. Review status: criteria provided, multiple submitters, no conflicts (2 of 4 stars). 2 submissions from 2 submitters: Uncertain significance (2). Last evaluated 2023-10-28.

Conditions:
Hereditary cancer-predisposing syndrome. Also called: Hereditary Cancer Syndrome; Hereditary neoplastic syndrome; Neoplastic Syndromes, Hereditary; Tumor predisposition. Identifiers: Orphanet 140162, MedGen C0027672, MeSH D009386, MONDO:0015356.
Familial cancer of breast. Also called: BREAST CANCER, FAMILIAL; Hereditary breast cancer; hereditary breast carcinoma. Identifiers: Orphanet 227535, MedGen C0346153, MONDO:0016419, OMIM 114480. Disease mechanism: loss of function.

Allele frequency attached by ClinVar (database versions not stated): gnomAD exomes below 0.00001.

Submissions (2):

Labcorp Genetics (formerly Invitae), Labcorp
Classification: Uncertain significance for Familial cancer of breast. Last evaluated: 2023-10-28. Review status: criteria provided, single submitter. Criteria: Invitae Variant Classification Sherloc (09022015). Collection method: clinical testing. Allele origin: germline.
Comment: This sequence change replaces isoleucine, which is neutral and non-polar, with valine, which is neutral and non-polar, at codon 56 of the BARD1 protein (p.Ile56Val). This variant is not present in population databases (gnomAD no frequency). This variant has not been reported in the literature in individuals affected with BARD1-related conditions. ClinVar contains an entry for this variant (Variation ID: 406781). Algorithms developed to predict the effect of missense changes on protein structure and function output the following: SIFT: "Not Available"; PolyPhen-2: "Benign"; Align-GVGD: "Not Available". The valine amino acid residue is found in multiple mammalian species, which suggests that this missense change does not adversely affect protein function. In summary, the available evidence is currently insufficient to determine the role of this variant in disease. Therefore, it has been classified as a Variant of Uncertain Significance.

Ambry Genetics
Classification: Uncertain significance for Hereditary cancer-predisposing syndrome. Last evaluated: 2018-12-21. Review status: criteria provided, single submitter. Criteria: Ambry Variant Classification Scheme 2023. Collection method: clinical testing. Allele origin: germline.
Comment: The p.I56V variant (also known as c.166A>G), located in coding exon 2 of the BARD1 gene, results from an A to G substitution at nucleotide position 166. The isoleucine at codon 56 is replaced by valine, an amino acid with highly similar properties. This amino acid position is well conserved in available vertebrate species. In addition, this alteration is predicted to be tolerated by in silico analysis. Since supporting evidence is limited at this time, the clinical significance of this alteration remains unclear.